The following is an entry in ClinVar:

ClinVar aggregate classification (germline): Conflicting classifications of pathogenicity. Review status: criteria provided, conflicting classifications (1 of 4 stars). 6 submissions from 6 submitters: Uncertain significance (2); Likely benign (3). 1 of the submissions does not count toward it. Last evaluated 2026-01-28.

Conditions:
LRP2-related disorder. Also called: LRP2-related condition.
Donnai-Barrow syndrome. Also called: DBS/FOAR SYNDROME; FACIOOCULOACOUSTICORENAL SYNDROME. Identifiers: Orphanet 2143, MedGen C1857277, MONDO:0009104, OMIM 222448.

Allele frequency attached by ClinVar (database versions not stated): gnomAD exomes 0.00023; ExAC 0.00035; 1000 Genomes Project 0.00040; 1000 Genomes Project 30x 0.00062; gnomAD 0.00088 and 0.00098; TOPMed 0.00090; ESP Exome Variant Server 0.00123.
gnomAD v4.1: 260 of 1,614,062 alleles (0.016%); highest among the groups gnomAD compares: African/African-American, 0.33%; no homozygotes.

Submissions (6):

Labcorp Genetics (formerly Invitae), Labcorp
Classification: Likely benign. Last evaluated: 2026-01-28. Review status: criteria provided, single submitter. Criteria: Invitae Variant Classification Sherloc (09022015). Collection method: clinical testing. Allele origin: germline.

Blueprint Genetics
Classification: Likely benign. Last evaluated: 2024-10-24. Review status: criteria provided, single submitter. Criteria: ACMG Guidelines, 2015. Collection method: clinical testing. Allele origin: germline.

Genome-Nilou Lab
Classification: Uncertain significance for Donnai-Barrow syndrome. Last evaluated: 2021-07-15. Review status: criteria provided, single submitter. Criteria: ACMG Guidelines, 2015. Collection method: clinical testing. Allele origin: germline. Affected: no.

GeneDx
Classification: Uncertain significance. Last evaluated: 2019-06-06. Review status: criteria provided, single submitter. Criteria: GeneDx Variant Classification Process June 2021. Collection method: clinical testing. Allele origin: germline. Affected: yes.
Comment: In silico analysis, which includes protein predictors and evolutionary conservation, supports a deleterious effect; Has not been previously published as pathogenic or benign to our knowledge

Illumina Laboratory Services, Illumina
Classification: Likely benign for Donnai-Barrow syndrome. Last evaluated: 2018-01-12. Review status: criteria provided, single submitter. Criteria: ICSL Variant Classification Criteria 13 December 2019. Collection method: clinical testing. Allele origin: germline.
Comment: This variant was observed in the ICSL laboratory as part of a predisposition screen in an ostensibly healthy population. It had not been previously curated by ICSL or reported in the Human Gene Mutation Database (HGMD: prior to June 1st, 2018), and was therefore a candidate for classification through an automated scoring system. Utilizing variant allele frequency, disease prevalence and penetrance estimates, and inheritance mode, an automated score was calculated to assess if this variant is too frequent to cause the disease. Based on the score and internal cut-off values, a variant classified as likely benign is not then subjected to further curation. The score for this variant resulted in a classification of likely benign for this disease.

PreventionGenetics, part of Exact Sciences
Classification: Likely benign for LRP2-related condition. Last evaluated: 2022-04-07. Review status: no assertion criteria provided. Collection method: clinical testing. Allele origin: germline. Not counted in ClinVar's aggregate classification.
Comment: This variant is classified as likely benign based on ACMG/AMP sequence variant interpretation guidelines (Richards et al. 2015 PMID: 25741868, with internal and published modifications).

NM_004525.3(LRP2):c.6176C>T (p.Ser2059Phe)

Gene: LRP2 (LDL receptor related protein 2; minus strand). Cytogenetic location: 2q31.1.
Variant type: single nucleotide variant.
Coding change: c.6176C>T on transcript NM_004525.3 (MANE Select); coding-DNA position 6176, C replaced by T.
Protein change: p.Ser2059Phe; replaces serine 2059 with phenylalanine.
Molecular consequence: missense variant.
Genome position (GRCh38, 1-based): chr2:169,212,072, G>A on the plus strand (C>T on the coding strand, the complement: LRP2 is on the minus strand). VCF-style: chr2-169212072-G-A. GRCh37 (hg19) VCF-style: chr2-170068582-G-A.
Other names: short protein forms S2059F.
Identifiers: ClinVar variation 742451 (VCV000742451.19), dbSNP rs148299415, ClinGen allele CA1954347.